The following is an entry in ClinVar:

ClinVar aggregate classification (germline): Uncertain significance (1 of 4 stars; one submission).

Conditions:
Short-rib thoracic dysplasia 10 with or without polydactyly (SRTD10). Identifiers: Orphanet 474, MedGen C3810175, MONDO:0014284, OMIM 615630.
Retinitis pigmentosa 71 (RP71). Identifiers: Orphanet 791, MedGen C4225342, MONDO:0014618, OMIM 616394.

Allele frequency attached by ClinVar (database versions not stated): gnomAD exomes below 0.00001; TOPMed below 0.00001.
gnomAD v4.1: 1 of 1,614,106 alleles (0.000062%); highest among the groups gnomAD compares: Admixed American, 0.0017%; no homozygotes.

Submission:

Labcorp Genetics (formerly Invitae), Labcorp
Classification: Uncertain significance for Retinitis pigmentosa 71; Short-rib thoracic dysplasia 10 with or without polydactyly. Last evaluated: 2022-02-04. Review status: criteria provided, single submitter. Criteria: Invitae Variant Classification Sherloc (09022015). Collection method: clinical testing. Allele origin: germline.
Comment: This sequence change replaces threonine, which is neutral and polar, with alanine, which is neutral and non-polar, at codon 949 of the IFT172 protein (p.Thr949Ala). This variant is not present in population databases (gnomAD no frequency). This variant has not been reported in the literature in individuals affected with IFT172-related conditions. Algorithms developed to predict the effect of missense changes on protein structure and function (SIFT, PolyPhen-2, Align-GVGD) all suggest that this variant is likely to be tolerated. In summary, the available evidence is currently insufficient to determine the role of this variant in disease. Therefore, it has been classified as a Variant of Uncertain Significance.

NM_015662.3(IFT172):c.2845A>G (p.Thr949Ala)

Gene: IFT172 (intraflagellar transport 172; minus strand). Cytogenetic location: 2p23.3.
Variant type: single nucleotide variant.
Coding change: c.2845A>G on transcript NM_015662.3 (MANE Select); coding-DNA position 2845, A replaced by G.
Protein change: p.Thr949Ala; replaces threonine 949 with alanine.
Molecular consequence: missense variant.
Genome position (GRCh38, 1-based): chr2:27,458,811, T>C on the plus strand (A>G on the coding strand, the complement: IFT172 is on the minus strand). VCF-style: chr2-27458811-T-C. GRCh37 (hg19) VCF-style: chr2-27681678-T-C.
Other names: short protein forms T949A.
Identifiers: ClinVar variation 1417993 (VCV001417993.8), dbSNP rs1666396574, ClinGen allele CA346381508.